The following is an entry in ClinVar:

ClinVar aggregate classification (germline): Likely pathogenic (1 of 4 stars; one submission).

Allele frequency attached by ClinVar (database versions not stated): gnomAD exomes below 0.00001.
gnomAD v4.1: 2 of 1,613,824 alleles (0.00012%); highest among the groups gnomAD compares: Non-Finnish European, 0.00017%; no homozygotes.

Submission:

Labcorp Genetics (formerly Invitae), Labcorp
Classification: Likely pathogenic. Last evaluated: 2023-05-22. Review status: criteria provided, single submitter. Criteria: Invitae Variant Classification Sherloc (09022015). Collection method: clinical testing. Allele origin: germline.
Comment: This sequence change affects a donor splice site in intron 14 of the ELP1 gene. It is expected to disrupt RNA splicing. Variants that disrupt the donor or acceptor splice site typically lead to a loss of protein function (PMID: 16199547), and loss-of-function variants in ELP1 are known to be pathogenic (PMID: 18303054, 24173031). In summary, the currently available evidence indicates that the variant is pathogenic, but additional data are needed to prove that conclusively. Therefore, this variant has been classified as Likely Pathogenic. Algorithms developed to predict the effect of sequence changes on RNA splicing suggest that this variant may disrupt the consensus splice site. This variant has not been reported in the literature in individuals affected with ELP1-related conditions. This variant is not present in population databases (gnomAD no frequency).

Literature cited by the submitters: PubMed 16199547; PubMed 18303054; PubMed 24173031.

NM_003640.5(ELP1):c.1643+1G>A

Gene: ELP1 (elongator acetyltransferase complex subunit 1; minus strand). Cytogenetic location: 9q31.3.
Variant type: single nucleotide variant.
Coding change: c.1643+1G>A on transcript NM_003640.5 (MANE Select); the canonical splice donor site of the intron after coding-DNA position 1643, G replaced by A.
Molecular consequence: splice donor variant.
Genome position (GRCh38, 1-based): chr9:108,906,302, C>T on the plus strand (G>A on the coding strand, the complement: ELP1 is on the minus strand). VCF-style: chr9-108906302-C-T. GRCh37 (hg19) VCF-style: chr9-111668582-C-T.
Other names: c.1301+1G>A (NM_001318360.2); c.596+1G>A (NM_001330749.2).
Identifiers: ClinVar variation 2997537 (VCV002997537.3), dbSNP rs2537912382, ClinGen allele CA374426941.